The following is an entry in ClinVar:

ClinVar aggregate classification (germline): Uncertain significance. Review status: criteria provided, multiple submitters, no conflicts (2 of 4 stars). 4 submissions from 4 submitters: Uncertain significance (4). Last evaluated 2025-01-23.

Conditions:
Inborn genetic diseases. Identifiers: MedGen C0950123, MeSH D030342.
Retinitis pigmentosa (RP). Identifiers: Orphanet 791, MedGen C0035334, MeSH D012174, MONDO:0019200, OMIM 268000. Inheritance: Autosomal dominant, autosomal recessive and X linked inheritance.

Allele frequency attached by ClinVar (database versions not stated): gnomAD exomes 0.00001 and 0.00003; ExAC 0.00003; gnomAD 0.00005; TOPMed 0.00005.
gnomAD v4.1: 44 of 1,612,870 alleles (0.0027%); highest among the groups gnomAD compares: Non-Finnish European, 0.0036%; no homozygotes.

Submissions (4):

Ambry Genetics
Classification: Uncertain significance for Inborn genetic diseases. Last evaluated: 2025-01-23. Review status: criteria provided, single submitter. Criteria: Ambry Variant Classification Scheme 2023. Collection method: clinical testing. Allele origin: germline.

Labcorp Genetics (formerly Invitae), Labcorp
Classification: Uncertain significance. Last evaluated: 2022-08-16. Review status: criteria provided, single submitter. Criteria: Invitae Variant Classification Sherloc (09022015). Collection method: clinical testing. Allele origin: germline.
Comment: This sequence change replaces valine, which is neutral and non-polar, with leucine, which is neutral and non-polar, at codon 709 of the RBP3 protein (p.Val709Leu). This variant is present in population databases (rs782171257, gnomAD 0.004%). This variant has not been reported in the literature in individuals affected with RBP3-related conditions. ClinVar contains an entry for this variant (Variation ID: 299969). Algorithms developed to predict the effect of missense changes on protein structure and function output the following: SIFT: "Tolerated"; PolyPhen-2: "Benign"; Align-GVGD: "Class C0". The leucine amino acid residue is found in multiple mammalian species, which suggests that this missense change does not adversely affect protein function. In summary, the available evidence is currently insufficient to determine the role of this variant in disease. Therefore, it has been classified as a Variant of Uncertain Significance.

Blueprint Genetics
Classification: Uncertain significance. Last evaluated: 2022-04-08. Review status: criteria provided, single submitter. Criteria: ACMG Guidelines, 2015. Collection method: clinical testing. Allele origin: germline.

Illumina Laboratory Services, Illumina
Classification: Uncertain significance for Retinitis pigmentosa. Last evaluated: 2018-01-13. Review status: criteria provided, single submitter. Criteria: ICSL Variant Classification Criteria 13 December 2019. Collection method: clinical testing. Allele origin: germline.

NM_002900.3(RBP3):c.2125G>T (p.Val709Leu)

Gene: RBP3 (retinol binding protein 3; plus strand). Cytogenetic location: 10q11.22.
Variant type: single nucleotide variant.
Coding change: c.2125G>T on transcript NM_002900.3 (MANE Select); coding-DNA position 2125, G replaced by T.
Protein change: p.Val709Leu; replaces valine 709 with leucine.
Molecular consequence: missense variant.
Genome position (GRCh38, 1-based): chr10:47,350,609, G>T. VCF-style: chr10-47350609-G-T. GRCh37 (hg19) VCF-style: chr10-48388753-C-A.
Other names: short protein forms V709L.
Identifiers: ClinVar variation 299969 (VCV000299969.16), dbSNP rs782171257, ClinGen allele CA5487351.
Genomic context (GRCh38, chr10:47,350,609, plus strand): 5'-GACCTCCAGGAGGTGTCTGGGGACCACCGCTTGCTAGTGTTCCACAGCCCTGGCGAGCTG[G>T]TGGTAGAGGAAGCACCCCCACCACCCCCTGCTGTCCCCTCTCCAGAGGAGCTCACCTACC-3'
Protein context (NP_002891.1, residues 699-719): LLVFHSPGEL[Val709Leu]VEEAPPPPPA